The following is an entry in ClinVar:

NM_005259.3(MSTN):c.516A>C (p.Gln172His)

Genes: MSTN (myostatin; minus strand), C2orf88 (chromosome 2 open reading frame 88; plus strand). Cytogenetic location: 2q32.2.
Variant type: single nucleotide variant.
Coding change: c.516A>C on transcript NM_005259.3 (MANE Select); coding-DNA position 516, A replaced by C.
Protein change: p.Gln172His; replaces glutamine 172 with histidine.
Molecular consequence: missense variant.
Genome position (GRCh38, 1-based): chr2:190,060,293, T>G on the plus strand (A>C on the coding strand, the complement: MSTN is on the minus strand). VCF-style: chr2-190060293-T-G. GRCh37 (hg19) VCF-style: chr2-190925019-T-G.
Other names: short protein forms Q172H.
Identifiers: ClinVar variation 898476 (VCV000898476.4), dbSNP rs200908904, ClinGen allele CA2027119.

ClinVar aggregate classification (germline): Likely benign (1 of 4 stars; one submission).

Conditions:
Myostatin-related muscle hypertrophy (MSLHP). Also called: MUSCLE HYPERTROPHY. Identifiers: Orphanet 275534, MedGen C2931112, MONDO:0013598, OMIM 614160.

Allele frequency attached by ClinVar (database versions not stated): gnomAD exomes 0.00006; TOPMed 0.00009; 1000 Genomes Project 30x 0.00016; 1000 Genomes Project 0.00020.
gnomAD v4.1: 185 of 1,613,148 alleles (0.011%); highest among the groups gnomAD compares: Non-Finnish European, 0.015%; no homozygotes.

Submission:

Illumina Laboratory Services, Illumina
Classification: Likely benign for Myostatin-related muscle hypertrophy. Last evaluated: 2018-01-13. Review status: criteria provided, single submitter. Criteria: ICSL Variant Classification Criteria 13 December 2019. Collection method: clinical testing. Allele origin: germline.
Comment: This variant was observed in the ICSL laboratory as part of a predisposition screen in an ostensibly healthy population. It had not been previously curated by ICSL or reported in the Human Gene Mutation Database (HGMD: prior to June 1st, 2018), and was therefore a candidate for classification through an automated scoring system. Utilizing variant allele frequency, disease prevalence and penetrance estimates, and inheritance mode, an automated score was calculated to assess if this variant is too frequent to cause the disease. Based on the score and internal cut-off values, a variant classified as likely benign is not then subjected to further curation. The score for this variant resulted in a classification of likely benign for this disease.